The following is an entry in ClinVar:

ClinVar aggregate classification (germline): Likely pathogenic (1 of 4 stars; one submission).

Conditions:
Cataract 1 multiple types. Also called: CATARACT 1, NUCLEAR PROGRESSIVE; CATARACT 1 WITH MICROCORNEA; CATARACT 1, POSTERIOR SUBCAPSULAR, WITH MICROCORNEA; CATARACT 1, STELLATE NUCLEAR, WITH MICROCORNEA; CATARACT 1, MULTIPLE TYPES, WITH OR WITHOUT MICROCORNEA; CATARACT, DUFFY-LINKED. Identifiers: Orphanet 1377, MedGen C1861828, MONDO:0007285, OMIM 116200.

Submission:

New York Genome Center
Classification: Likely pathogenic for Cataract 1 multiple types. Last evaluated: 2023-11-23. Review status: criteria provided, single submitter. Criteria: NYGC Assertion Criteria 2020. Collection method: clinical testing. Allele origin: de novo. Affected: yes. Observed: 1 variant allele, 1 heterozygote.
Comment: The de novo heterozygous c.163A>T p.(Asn55Tyr) missense variant identified in the GJA8 gene has not previously been reported in the literature or inthe ClinVar database. The variant is absent from population databases (gnomAD v2.1.1 and v3.1.2, TOPMed Freeze 8), suggesting it is not a common benign variant in the populations represented in those databases. The c.163A>T variant is located in the single protein-coding exon of GJA8 and is predicted to replace a highlyconserved asparagine residue with tyrosine at position 55 in the extracellular loop 1 (ECL1; PMID: 35428228) of the encoded protein [p.(Asn55Tyr)]. In silico predictions are in favor of the variant’s deleterious effect [REVEL score = 0.96]; however, functional studies to support or refute these predictions have not been reported. Based on the available evidence, the de novo heterozygous c.163A>T p.(Asn55Tyr) missense variant identified in the GJA8 gene is reported as Likely Pathogenic.

NM_005267.5(GJA8):c.163A>T (p.Asn55Tyr)

Gene: GJA8 (gap junction protein alpha 8; plus strand). Cytogenetic location: 1q21.2.
Variant type: single nucleotide variant.
Coding change: c.163A>T on transcript NM_005267.5 (MANE Select); coding-DNA position 163, A replaced by T.
Protein change: p.Asn55Tyr; replaces asparagine 55 with tyrosine.
Molecular consequence: missense variant.
Genome position (GRCh38, 1-based): chr1:147,908,118, A>T. VCF-style: chr1-147908118-A-T. GRCh37 (hg19) VCF-style: chr1-147380245-A-T.
Other names: c.163A>T (NM_005267.4); short protein forms N55Y.
Identifiers: ClinVar variation 4888363 (VCV004888363.1).